The following is an entry in ClinVar:

ClinVar aggregate classification (germline): Uncertain significance. Review status: reviewed by expert panel (3 of 4 stars). 4 submissions from 4 submitters: Uncertain significance (1). 3 of the submissions do not count toward it. Last evaluated 2024-07-17.

Conditions:
Hereditary thrombocytopenia and hematologic cancer predisposition syndrome. Identifiers: Orphanet 71290, MedGen CN281654, MONDO:0011071.
Inborn genetic diseases. Identifiers: MedGen C0950123, MeSH D030342.
Hereditary thrombocytopenia and hematological cancer predisposition syndrome associated with RUNX1. Also called: Familial Platelet Disorder with Propensity to Acute Myelogenous Leukemia; Familial thrombocytopenia with propensity to acute myelogenous leukemia; RUNX1 Familial Platelet Disorder with Associated Myeloid Malignancies; PLATELET DISORDER, ASPIRIN-LIKE. Identifiers: Orphanet 71290, MedGen C1832388, MeSH C563324, MONDO:0100083, OMIM 601399.

Submissions (4):

ClinGen Myeloid Malignancy Variant Curation Expert Panel
Classification: Uncertain significance for Hereditary thrombocytopenia and hematologic cancer predisposition syndrome. Last evaluated: 2024-07-17. Review status: reviewed by expert panel. Criteria: ClinGen MyeloMalig ACMG Specifications v2. Collection method: curation. Allele origin: germline. Inheritance: Autosomal dominant inheritance.
Comment: NM_001754.4(RUNX1):c.422C>T (p.Ser141Leu) is a missense variant which is completely absent from gnomAD with a mean coverage of at least 20X (v2 and v3). REVEL score = 0.906, which is higher than the v2 threshold of 0.88. SpliceAI doesn't predict any significant splicing impact (Δ scores ≤ 0.20). Not located at a hotspot (R107, K110, A134, R162, R166, S167, R169, G170, K194, T196, D198, R210, R204), but within residues 89-204. The variant has also been reported in several patients with MDS or CMML (PMID: 19282830; PMID: 20880116; PMID: 24030381; PMID: 25840971; PMID: 29515765), AML (PMID: 16627249; PMID: 17485549; PMID: 24923295; PMID: 27288520; PMID: 32855275), AML-MRC (PMID: 31728617), chronic neutrophilic leukemia (PMID: 31844143), and myeloid sarcoma (PMID: 31866570), but germline origin is unclear. Germline origin was also unclear in 3 patients tested at Invitae - 2 of whom were possibly mosaic and 1 of whom was heterozygous (although blood was limited) - without RUNX1-related phenotype. Finally, the somatic variant has been reported in a TCGA AML (PMID: 23634996/COSMIC ID: COSV55867675/cBioPortal), 2 MDS (PMID: 24047651), a urothelial carcinoma (PMID: 25096233/cBioPortal), and cecal carcinoma (PMID: 28481359/cBioPortal). In summary, the clinical significance of this variant is uncertain. ACMG/AMP criteria applied, as specified by the Myeloid Malignancy Variant Curation Expert Panel for RUNX1: PM2_supporting, PM1_supporting, PP3, and PS4_moderate

Labcorp Genetics (formerly Invitae), Labcorp
Classification: Uncertain significance for Hereditary thrombocytopenia and hematological cancer predisposition syndrome associated with RUNX1. Last evaluated: 2026-01-28. Review status: criteria provided, single submitter. Criteria: Invitae Variant Classification Sherloc (09022015). Collection method: clinical testing. Allele origin: germline. Not counted in ClinVar's aggregate classification.
Comment: This sequence change replaces serine, which is neutral and polar, with leucine, which is neutral and non-polar, at codon 141 of the RUNX1 protein (p.Ser141Leu). This variant is not present in population databases (gnomAD no frequency). This missense change has been observed in individual(s) with clinical features of RUNX1-related conditions. However, it is not always certain if the variant is of germline or somatic origin (PMID: 25840971, 34028844, 37738626). This variant is also known as c.341C>T (p.Ser114Leu). ClinVar contains an entry for this variant (Variation ID: 649370). Invitae Evidence Modeling of protein sequence and biophysical properties (such as structural, functional, and spatial information, amino acid conservation, physicochemical variation, residue mobility, and thermodynamic stability) has been performed for this missense variant. However, the output from this modeling did not meet the statistical confidence thresholds required to predict the impact of this variant on RUNX1 protein function. Experimental studies have shown that this missense change affects RUNX1 function (PMID: 25840971, 31048839). In summary, the available evidence is currently insufficient to determine the role of this variant in disease. Therefore, it has been classified as a Variant of Uncertain Significance.

Ambry Genetics
Classification: Uncertain significance for Inborn genetic diseases. Last evaluated: 2025-09-30. Review status: criteria provided, single submitter. Criteria: Ambry Variant Classification Scheme 2023. Collection method: clinical testing. Allele origin: germline. Not counted in ClinVar's aggregate classification.
Comment: The p.S141L variant (also known as c.422C>T), located in coding exon 4 of the RUNX1 gene, results from a C to T substitution at nucleotide position 422. The serine at codon 141 is replaced by leucine, an amino acid with dissimilar properties. This amino acid position is highly conserved in available vertebrate species. In addition, this alteration is predicted to be deleterious by in silico analysis. Based on the available evidence, the clinical significance of this variant remains unclear.

GeneDx
Classification: Uncertain significance. Last evaluated: 2023-09-18. Review status: criteria provided, single submitter. Criteria: GeneDx Variant Classification Process June 2021. Collection method: clinical testing. Allele origin: germline. Affected: yes. Not counted in ClinVar's aggregate classification.
Comment: Observed in an individual with myelodysplastic syndrome; however, germline status was not confirmed (Tsai et al., 2015); Not observed at significant frequency in large population cohorts (gnomAD); In silico analysis supports that this missense variant has a deleterious effect on protein structure/function; Also known as c.341C>T, p.Ser114Leu; This variant is associated with the following publications: (PMID: 34028844, 31048839, 25840971, 31844143)

Literature cited by the submitters: PubMed 25840971 (cited by Labcorp Genetics (formerly Invitae), Labcorp); PubMed 34028844 (cited by Labcorp Genetics (formerly Invitae), Labcorp); PubMed 37738626 (cited by Labcorp Genetics (formerly Invitae), Labcorp); PubMed 31048839 (cited by Labcorp Genetics (formerly Invitae), Labcorp).

NM_001754.5(RUNX1):c.422C>T (p.Ser141Leu)

Genes: RUNX1 (RUNX family transcription factor 1; minus strand), RUNX1-AS1 (RUNX1 antisense RNA 1; plus strand). Cytogenetic location: 21q22.12.
Variant type: single nucleotide variant.
Coding change: c.422C>T on transcript NM_001754.5 (MANE Select); coding-DNA position 422, C replaced by T.
Protein change: p.Ser141Leu; replaces serine 141 with leucine.
Molecular consequence: missense variant.
Genome position (GRCh38, 1-based): chr21:34,880,643, G>A on the plus strand (C>T on the coding strand, the complement: RUNX1 is on the minus strand). VCF-style: chr21-34880643-G-A. GRCh37 (hg19) VCF-style: chr21-36252940-G-A.
Other names: NM_001754.5(RUNX1):c.422C>T; p.Ser141Leu; c.341C>T, p.Ser114Leu (NM_001001890.3, NM_001122607.2); short protein forms S114L, S141L.
Identifiers: ClinVar variation 649370 (VCV000649370.12), dbSNP rs1601516118, ClinGen allele CA410202641.